The following is an entry in ClinVar:

NM_001855.5(COL15A1):c.2551T>C (p.Phe851Leu)

Gene: COL15A1 (collagen type XV alpha 1 chain; plus strand). Cytogenetic location: 9q22.33.
Variant type: single nucleotide variant.
Coding change: c.2551T>C on transcript NM_001855.5 (MANE Select); coding-DNA position 2551, T replaced by C.
Protein change: p.Phe851Leu; replaces phenylalanine 851 with leucine.
Molecular consequence: missense variant.
Genome position (GRCh38, 1-based): chr9:99,042,084, T>C. VCF-style: chr9-99042084-T-C. GRCh37 (hg19) VCF-style: chr9-101804366-T-C.
Other names: short protein forms F851L.
Identifiers: ClinVar variation 3055678 (VCV003055678.2), dbSNP rs35901514, ClinGen allele CA5155454.

ClinVar aggregate classification (germline): Benign (0 of 4 stars; one submission).

Conditions:
COL15A1-related disorder. Also called: COL15A1-related condition.

Allele frequency attached by ClinVar (database versions not stated): 1000 Genomes Project 0.00319; 1000 Genomes Project 30x 0.00344; TOPMed 0.00725; ESP Exome Variant Server 0.00915; gnomAD 0.00923; ExAC 0.01098; gnomAD exomes 0.01254.

Submission:

PreventionGenetics, part of Exact Sciences
Classification: Benign for COL15A1-related condition. Last evaluated: 2019-04-15. Review status: no assertion criteria provided. Collection method: clinical testing. Allele origin: germline.
Comment: This variant is classified as benign based on ACMG/AMP sequence variant interpretation guidelines (Richards et al. 2015 PMID: 25741868, with internal and published modifications).